The following is an entry in ClinVar:

NM_004933.3(CDH15):c.1410C>T (p.Ser470=)

Gene: CDH15 (cadherin 15; plus strand). Cytogenetic location: 16q24.3.
Variant type: single nucleotide variant.
Coding change: c.1410C>T on transcript NM_004933.3 (MANE Select); coding-DNA position 1410, C replaced by T.
Protein change: p.Ser470=; no amino-acid change (serine 470 retained).
Molecular consequence: synonymous variant.
Genome position (GRCh38, 1-based): chr16:89,191,689, C>T. VCF-style: chr16-89191689-C-T. GRCh37 (hg19) VCF-style: chr16-89258097-C-T.
Identifiers: ClinVar variation 788313 (VCV000788313.7), dbSNP rs140621107, ClinGen allele CA8239299.

ClinVar aggregate classification (germline): Benign. Review status: criteria provided, multiple submitters, no conflicts (2 of 4 stars). 3 submissions from 3 submitters: Benign (2). 1 of the submissions does not count toward it. Last evaluated 2019-12-31.

Conditions:
CDH15-related disorder. Also called: CDH15-related condition.

Allele frequency attached by ClinVar (database versions not stated): gnomAD exomes 0.00083 and 0.00206; ExAC 0.00292; ESP Exome Variant Server 0.00693; gnomAD 0.00772 and 0.00813; TOPMed 0.00853; 1000 Genomes Project 30x 0.00921; 1000 Genomes Project 0.00958.
gnomAD v4.1: 2,397 of 1,600,942 alleles (0.15%); highest among the groups gnomAD compares: African/African-American, 2.9%; 35 homozygotes.

Submissions (3):

Labcorp Genetics (formerly Invitae), Labcorp
Classification: Benign. Last evaluated: 2019-12-31. Review status: criteria provided, single submitter. Criteria: Invitae Variant Classification Sherloc (09022015). Collection method: clinical testing. Allele origin: germline.

Breakthrough Genomics
Classification: Benign. Review status: criteria provided, single submitter. Criteria: ACMG Guidelines, 2015. Collection method: not provided. Allele origin: germline. Inheritance: Autosomal dominant inheritance. Affected: yes.

PreventionGenetics, part of Exact Sciences
Classification: Likely benign for CDH15-related condition. Last evaluated: 2020-02-07. Review status: no assertion criteria provided. Collection method: clinical testing. Allele origin: germline. Not counted in ClinVar's aggregate classification.
Comment: This variant is classified as likely benign based on ACMG/AMP sequence variant interpretation guidelines (Richards et al. 2015 PMID: 25741868, with internal and published modifications).